The following is an entry in ClinVar:

ClinVar aggregate classification (germline): Uncertain significance (1 of 4 stars; one submission).

Conditions:
Cardiovascular phenotype. Identifiers: MedGen CN230736.

Submission:

Ambry Genetics
Classification: Uncertain significance for Cardiovascular phenotype. Last evaluated: 2023-01-18. Review status: criteria provided, single submitter. Criteria: Ambry Variant Classification Scheme 2023. Collection method: clinical testing. Allele origin: germline.
Comment: The p.C343S variant (also known as c.1028G>C), located in coding exon 8 of the GPD1L gene, results from a G to C substitution at nucleotide position 1028. The cysteine at codon 343 is replaced by serine, an amino acid with dissimilar properties. This amino acid position is conserved. In addition, this alteration is predicted to be deleterious by in silico analysis. Since supporting evidence is limited at this time, the clinical significance of this alteration remains unclear.

NM_015141.4(GPD1L):c.1028G>C (p.Cys343Ser)

Gene: GPD1L (glycerol-3-phosphate dehydrogenase 1 like; plus strand). Cytogenetic location: 3p22.3.
Variant type: single nucleotide variant.
Coding change: c.1028G>C on transcript NM_015141.4 (MANE Select); coding-DNA position 1028, G replaced by C.
Protein change: p.Cys343Ser; replaces cysteine 343 with serine.
Molecular consequence: missense variant.
Genome position (GRCh38, 1-based): chr3:32,165,882, G>C. VCF-style: chr3-32165882-G-C. GRCh37 (hg19) VCF-style: chr3-32207374-G-C.
Other names: short protein forms C343S.
Identifiers: ClinVar variation 2449703 (VCV002449703.2), dbSNP rs1575125044, ClinGen allele CA351970637.